The following is an entry in ClinVar:

ClinVar aggregate classification (germline): Uncertain significance (1 of 4 stars; one submission).

Conditions:
Familial cancer of breast. Also called: hereditary breast carcinoma; Hereditary breast cancer; BREAST CANCER, FAMILIAL. Identifiers: Orphanet 227535, MedGen C0346153, MONDO:0016419, OMIM 114480. Disease mechanism: loss of function.

Submission:

Labcorp Genetics (formerly Invitae), Labcorp
Classification: Uncertain significance for Familial cancer of breast. Last evaluated: 2023-07-07. Review status: criteria provided, single submitter. Criteria: Invitae Variant Classification Sherloc (09022015). Collection method: clinical testing. Allele origin: germline.
Comment: In summary, the available evidence is currently insufficient to determine the role of this variant in disease. Therefore, it has been classified as a Variant of Uncertain Significance. An algorithm developed to predict the effect of missense changes on protein structure and function (PolyPhen-2) suggests that this variant is likely to be tolerated. ClinVar contains an entry for this variant (Variation ID: 1347996). This variant has not been reported in the literature in individuals affected with CHEK2-related conditions. This variant is not present in population databases (gnomAD no frequency). This sequence change replaces leucine, which is neutral and non-polar, with methionine, which is neutral and non-polar, at codon 499 of the CHEK2 protein (p.Leu499Met).

NM_007194.4(CHEK2):c.1495C>A (p.Leu499Met)

Gene: CHEK2 (checkpoint kinase 2; minus strand). Cytogenetic location: 22q12.1.
Variant type: single nucleotide variant.
Coding change: c.1495C>A on transcript NM_007194.4 (MANE Select); coding-DNA position 1495, C replaced by A.
Protein change: p.Leu499Met; replaces leucine 499 with methionine.
Molecular consequence: missense variant.
Genome position (GRCh38, 1-based): chr22:28,689,182, G>T on the plus strand (C>A on the coding strand, the complement: CHEK2 is on the minus strand). VCF-style: chr22-28689182-G-T. GRCh37 (hg19) VCF-style: chr22-29085170-G-T.
Other names: c.1624C>A, p.Leu542Met (NM_001005735.3); c.832C>A, p.Leu278Met (NM_001257387.3); c.1294C>A, p.Leu432Met (NM_001349956.3); c.1408C>A, p.Leu470Met (NM_145862.3); short protein forms L470M, L499M, L542M, L278M, L432M.
Identifiers: ClinVar variation 1347996 (VCV001347996.7), dbSNP rs2145749845, ClinGen allele CA411092462.